The following is an entry in ClinVar:

ClinVar aggregate classification (germline): Uncertain significance. Review status: criteria provided, multiple submitters, no conflicts (2 of 4 stars). 2 submissions from 2 submitters: Uncertain significance (2). Last evaluated 2026-01-26.

Conditions:
Cardiovascular phenotype. Identifiers: MedGen CN230736.
Ehlers-Danlos syndrome, classic type, 1 (EDSCL1). Also called: Ehlers-Danlos syndrome, type 1; Ehlers-Danlos Syndrome, Classic Type, COL5A1-Related; EDS I; EHLERS-DANLOS SYNDROME, GRAVIS TYPE; EHLERS-DANLOS SYNDROME, SEVERE CLASSIC TYPE. Identifiers: MedGen C0268335, MONDO:0019567, OMIM 130000.
Osteogenesis imperfecta type I (OI1). Also called: Osteogenesis imperfecta type 1; Lobstein's Disease; Lobstein disease; OI, TYPE I; OSTEOGENESIS IMPERFECTA TARDA; OSTEOGENESIS IMPERFECTA WITH BLUE SCLERAE. Identifiers: Orphanet 216796, Orphanet 666, MedGen C0023931, MONDO:0008146, OMIM 166200. Disease mechanism: loss of function.

Allele frequency attached by ClinVar (database versions not stated): gnomAD exomes 0.00001; TOPMed below 0.00001; gnomAD 0.00001.
gnomAD v4.1: 5 of 1,614,020 alleles (0.00031%); highest among the groups gnomAD compares: East Asian, 0.0022%; no homozygotes.

Submissions (2):

Labcorp Genetics (formerly Invitae), Labcorp
Classification: Uncertain significance for Osteogenesis imperfecta type I; Ehlers-Danlos syndrome, classic type, 1. Last evaluated: 2026-01-26. Review status: criteria provided, single submitter. Criteria: Invitae Variant Classification Sherloc (09022015). Collection method: clinical testing. Allele origin: germline.
Comment: This sequence change replaces arginine, which is basic and polar, with cysteine, which is neutral and slightly polar, at codon 906 of the COL1A2 protein (p.Arg906Cys). This variant is present in population databases (no rsID available, gnomAD 0.003%). This variant has not been reported in the literature in individuals affected with COL1A2-related conditions. ClinVar contains an entry for this variant (Variation ID: 1795115). Invitae Evidence Modeling of protein sequence and biophysical properties (such as structural, functional, and spatial information, amino acid conservation, physicochemical variation, residue mobility, and thermodynamic stability) indicates that this missense variant is expected to disrupt COL1A2 protein function with a positive predictive value of 95%. In summary, the available evidence is currently insufficient to determine the role of this variant in disease. Therefore, it has been classified as a Variant of Uncertain Significance.

Ambry Genetics
Classification: Uncertain significance for Cardiovascular phenotype. Last evaluated: 2020-03-05. Review status: criteria provided, single submitter. Criteria: Ambry Variant Classification Scheme 2023. Collection method: clinical testing. Allele origin: germline.
Comment: The p.R906C variant (also known as c.2716C>T), located in coding exon 42 of the COL1A2 gene, results from a C to T substitution at nucleotide position 2716. The arginine at codon 906 is replaced by cysteine, an amino acid with highly dissimilar properties. This amino acid position is highly conserved in available vertebrate species. In addition, this alteration is predicted to be deleterious by in silico analysis. Since supporting evidence is limited at this time, the clinical significance of this alteration remains unclear.

NM_000089.4(COL1A2):c.2716C>T (p.Arg906Cys)

Gene: COL1A2 (collagen type I alpha 2 chain; plus strand). Cytogenetic location: 7q21.3.
Variant type: single nucleotide variant.
Coding change: c.2716C>T on transcript NM_000089.4 (MANE Select); coding-DNA position 2716, C replaced by T.
Protein change: p.Arg906Cys; replaces arginine 906 with cysteine.
Molecular consequence: missense variant.
Genome position (GRCh38, 1-based): chr7:94,425,159, C>T. VCF-style: chr7-94425159-C-T. GRCh37 (hg19) VCF-style: chr7-94054471-C-T.
Other names: short protein forms R906C.
Identifiers: ClinVar variation 1795115 (VCV001795115.7), dbSNP rs1384188360, ClinGen allele CA368224469.
Genomic context (GRCh38, chr7:94,425,159, plus strand): 5'-TCTTCTCTGCCTGTTTAGGGTGAACCTGGTCCTCTTGGCATTGCCGGCCCTCCTGGGGCC[C>T]GTGGTCCTCCTGGTGCTGTGGGTAGTCCTGGAGTCAACGGTGCTCCTGGTGAAGCTGGTC-3'
Protein context (NP_000080.2, residues 896-916): PLGIAGPPGA[Arg906Cys]GPPGAVGSPG